The following is an entry in ClinVar:

ClinVar aggregate classification (germline): Uncertain significance (1 of 4 stars; one submission).

Conditions:
Chromosome 2q32-q33 deletion syndrome (GLASS). Also called: Glass syndrome; 2q33.1 deletion syndrome. Identifiers: Orphanet 251019, MedGen C2676739, MONDO:0012864, OMIM 612313.

Submission:

Labcorp Genetics (formerly Invitae), Labcorp
Classification: Uncertain significance for Chromosome 2q32-q33 deletion syndrome. Last evaluated: 2024-06-26. Review status: criteria provided, single submitter. Criteria: Invitae Variant Classification Sherloc (09022015). Collection method: clinical testing. Allele origin: germline.
Comment: This sequence change replaces serine, which is neutral and polar, with glycine, which is neutral and non-polar, at codon 703 of the SATB2 protein (p.Ser703Gly). This variant is not present in population databases (gnomAD no frequency). This variant has not been reported in the literature in individuals affected with SATB2-related conditions. Advanced modeling of protein sequence and biophysical properties (such as structural, functional, and spatial information, amino acid conservation, physicochemical variation, residue mobility, and thermodynamic stability) performed at Invitae indicates that this missense variant is not expected to disrupt SATB2 protein function with a negative predictive value of 95%. In summary, the available evidence is currently insufficient to determine the role of this variant in disease. Therefore, it has been classified as a Variant of Uncertain Significance.

NM_001172509.2(SATB2):c.2107A>G (p.Ser703Gly)

Genes: SATB2 (SATB homeobox 2; minus strand), LOC126806462 (MED14-independent group 3 enhancer GRCh37_chr2:200136608-200137807; plus strand). Cytogenetic location: 2q33.1.
Variant type: single nucleotide variant.
Coding change: c.2107A>G on transcript NM_001172509.2 (MANE Select); coding-DNA position 2107, A replaced by G.
Protein change: p.Ser703Gly; replaces serine 703 with glycine.
Molecular consequence: missense variant.
Genome position (GRCh38, 1-based): chr2:199,272,306, T>C on the plus strand (A>G on the coding strand, the complement: SATB2 is on the minus strand). VCF-style: chr2-199272306-T-C. GRCh37 (hg19) VCF-style: chr2-200137029-T-C.
Other names: c.2107A>G, p.Ser703Gly (NM_001172517.1, NM_015265.4); short protein forms S703G.
Identifiers: ClinVar variation 3672851 (VCV003672851.2).